The following is an entry in ClinVar:

ClinVar aggregate classification (germline): Benign/Likely benign. Review status: criteria provided, multiple submitters, no conflicts (2 of 4 stars). 4 submissions from 4 submitters: Benign (2); Likely benign (2). Last evaluated 2026-01-06.

Conditions:
UBE3B-related disorder. Also called: UBE3B-related condition.

Allele frequency attached by ClinVar (database versions not stated): 1000 Genomes Project 30x 0.00078; 1000 Genomes Project 0.00100; gnomAD 0.00108; ESP Exome Variant Server 0.00115; TOPMed 0.00120.
gnomAD v4.1: 302 of 1,614,202 alleles (0.019%); highest among the groups gnomAD compares: African/African-American, 0.36%; 1 homozygote.

Submissions (5):

Labcorp Genetics (formerly Invitae), Labcorp
Classification: Benign. Last evaluated: 2026-01-06. Review status: criteria provided, single submitter. Criteria: Invitae Variant Classification Sherloc (09022015). Collection method: clinical testing. Allele origin: germline.

Women's Health and Genetics/Laboratory Corporation of America, LabCorp
Classification: Benign. Last evaluated: 2025-11-26. Review status: criteria provided, single submitter. Criteria: LabCorp Variant Classification Summary - May 2015. Collection method: clinical testing. Allele origin: germline.
Comment: Variant summary: UBE3B c.807A>G alters a conserved nucleotide resulting in a synonymous change. Several computational tools predict a significant impact on normal splicing: Two predict the variant creates a 5' donor site. However, these predictions have yet to be confirmed by functional studies. The variant allele was found at a frequency of 0.00024 in 251062 control chromosomes, predominantly at a frequency of 0.0032 within the African or African-American subpopulation in the gnomAD database. The observed variant frequency within African or African-American control individuals in the gnomAD database exceeds the estimated maximal expected allele frequency for disease-causing variants in UBE3B. To our knowledge, no occurrence of c.807A>G in individuals affected with UBE3B-related conditions and no experimental evidence demonstrating its impact on protein function have been reported. ClinVar contains an entry for this variant (Variation ID: 2414499). Based on the evidence outlined above, the variant was classified as benign.

PreventionGenetics, part of Exact Sciences
Classification: Likely benign for UBE3B-related condition. Last evaluated: 2025-08-16. Review status: criteria provided, single submitter. Criteria: ACMG Guidelines, 2015. Collection method: clinical testing. Allele origin: germline.
Comment: This variant is classified as likely benign based on ACMG/AMP sequence variant interpretation guidelines (Richards et al. 2015 PMID: 25741868, with internal and published modifications).

Blueprint Genetics
Classification: Likely benign. Last evaluated: 2024-03-07. Review status: criteria provided, single submitter. Criteria: ACMG Guidelines, 2015. Collection method: clinical testing. Allele origin: germline.

Dr. Peter K. Rogan Lab, Western University
No classification provided (evidence only). Condition: Gastric cancer. Review status: no classification provided. Collection method: in vitro. Allele origin: not applicable. Functional consequence: retained intron. Not counted in ClinVar's aggregate classification.

NM_130466.4(UBE3B):c.807A>G (p.Thr269=)

Gene: UBE3B (ubiquitin protein ligase E3B; plus strand). Cytogenetic location: 12q24.11.
Variant type: single nucleotide variant.
Coding change: c.807A>G on transcript NM_130466.4 (MANE Select); coding-DNA position 807, A replaced by G.
Protein change: p.Thr269=; no amino-acid change (threonine 269 retained).
Molecular consequence: synonymous variant.
Genome position (GRCh38, 1-based): chr12:109,497,911, A>G. VCF-style: chr12-109497911-A-G. GRCh37 (hg19) VCF-style: chr12-109935716-A-G.
Other names: c.807A>G, p.Thr269= (NM_183415.3); c.807A>G (NM_130466.3).
Identifiers: ClinVar variation 2414499 (VCV002414499.11), dbSNP rs148011437, ClinGen allele CA6777690.